The following is an entry in ClinVar:

NM_006180.6(NTRK2):c.229A>G (p.Lys77Glu)

Genes: NTRK2 (neurotrophic receptor tyrosine kinase 2; plus strand), LOC130001952 (ATAC-STARR-seq lymphoblastoid active region 28508; plus strand). Cytogenetic location: 9q21.33.
Variant type: single nucleotide variant.
Coding change: c.229A>G on transcript NM_006180.6 (MANE Select); coding-DNA position 229, A replaced by G.
Protein change: p.Lys77Glu; replaces lysine 77 with glutamic acid.
Molecular consequence: missense variant. On other transcripts: 5 prime UTR variant (4).
Genome position (GRCh38, 1-based): chr9:84,702,175, A>G. VCF-style: chr9-84702175-A-G. GRCh37 (hg19) VCF-style: chr9-87317090-A-G.
Other names: c.229A>G, p.Lys77Glu (NM_001007097.3, NM_001018064.3, NM_001018065.2 and 18 more transcripts); c.-240A>G (NM_001369535.1, NM_001369536.1, NM_001369550.1 and 1 more transcripts); short protein forms K77E.
Identifiers: ClinVar variation 4743870 (VCV004743870.1).

ClinVar aggregate classification (germline): Uncertain significance (1 of 4 stars; one submission).

gnomAD v4.1: 3 of 1,614,174 alleles (0.00019%); highest among the groups gnomAD compares: Non-Finnish European, 0.00025%; no homozygotes.

Submission:

Labcorp Genetics (formerly Invitae), Labcorp
Classification: Uncertain significance. Last evaluated: 2026-01-05. Review status: criteria provided, single submitter. Criteria: Invitae Variant Classification Sherloc (09022015). Collection method: clinical testing. Allele origin: germline.
Comment: This sequence change replaces lysine, which is basic and polar, with glutamic acid, which is acidic and polar, at codon 77 of the NTRK2 protein (p.Lys77Glu). This variant is not present in population databases (gnomAD no frequency). This variant has not been reported in the literature in individuals affected with NTRK2-related conditions. Invitae Evidence Modeling of protein sequence and biophysical properties (such as structural, functional, and spatial information, amino acid conservation, physicochemical variation, residue mobility, and thermodynamic stability) indicates that this missense variant is not expected to disrupt NTRK2 protein function with a negative predictive value of 80%. In summary, the available evidence is currently insufficient to determine the role of this variant in disease. Therefore, it has been classified as a Variant of Uncertain Significance.